The following is an entry in ClinVar:

NM_001287.6(CLCN7):c.1499T>C (p.Leu500Pro)

Gene: CLCN7 (Cl-/H+ antiporter 7; minus strand). Cytogenetic location: 16p13.3.
Variant type: single nucleotide variant.
Coding change: c.1499T>C on transcript NM_001287.6 (MANE Select); coding-DNA position 1499, T replaced by C.
Protein change: p.Leu500Pro; replaces leucine 500 with proline.
Molecular consequence: missense variant.
Genome position (GRCh38, 1-based): chr16:1,450,615, A>G on the plus strand (T>C on the coding strand, the complement: CLCN7 is on the minus strand). VCF-style: chr16-1450615-A-G. GRCh37 (hg19) VCF-style: chr16-1500616-A-G.
Other names: c.1427T>C, p.Leu476Pro (NM_001114331.3); short protein forms L476P, L500P.
Identifiers: ClinVar variation 4802817 (VCV004802817.1).
Genomic context (GRCh38, chr16:1,450,615, plus strand): 5'-ATGAGCAGGGACGGGATGAAGACCCCGGCAGACACCGTGAGCCCGTAGGTCCAGCAGGCC[A>G]GGAAGAAGTAGACCAGCGTGAACAGGCCGAGGGTCAGGGGGTTGTAGGAGCCTAGGAGAG-3'
Protein context (NP_001278.1, residues 490-510): LGLFTLVYFF[Leu500Pro]ACWTYGLTVS

ClinVar aggregate classification (germline): Uncertain significance (1 of 4 stars; one submission).

Submission:

Labcorp Genetics (formerly Invitae), Labcorp
Classification: Uncertain significance. Last evaluated: 2025-02-15. Review status: criteria provided, single submitter. Criteria: Invitae Variant Classification Sherloc (09022015). Collection method: clinical testing. Allele origin: germline.
Comment: This sequence change replaces leucine, which is neutral and non-polar, with proline, which is neutral and non-polar, at codon 500 of the CLCN7 protein (p.Leu500Pro). This variant is not present in population databases (gnomAD no frequency). This variant has not been reported in the literature in individuals affected with CLCN7-related conditions. Invitae Evidence Modeling of protein sequence and biophysical properties (such as structural, functional, and spatial information, amino acid conservation, physicochemical variation, residue mobility, and thermodynamic stability) indicates that this missense variant is expected to disrupt CLCN7 protein function with a positive predictive value of 95%. In summary, the available evidence is currently insufficient to determine the role of this variant in disease. Therefore, it has been classified as a Variant of Uncertain Significance.